The following is an entry in ClinVar:

NM_000702.4(ATP1A2):c.1462-3C>T

Gene: ATP1A2 (ATPase Na+/K+ transporting subunit alpha 2; plus strand). Cytogenetic location: 1q23.2.
Variant type: single nucleotide variant.
Coding change: c.1462-3C>T on transcript NM_000702.4 (MANE Select); 3 bases into the intron before coding-DNA position 1462, C replaced by T.
Molecular consequence: intron variant.
Genome position (GRCh38, 1-based): chr1:160,130,099, C>T. VCF-style: chr1-160130099-C-T. GRCh37 (hg19) VCF-style: chr1-160099889-C-T.
Identifiers: ClinVar variation 2877243 (VCV002877243.3), dbSNP rs2524871990, ClinGen allele CA2739275366.

ClinVar aggregate classification (germline): Uncertain significance (1 of 4 stars; one submission).

Conditions:
Familial hemiplegic migraine. Identifiers: MedGen C0338484, MONDO:0000700.

Submission:

Labcorp Genetics (formerly Invitae), Labcorp
Classification: Uncertain significance for Familial hemiplegic migraine. Last evaluated: 2024-06-04. Review status: criteria provided, single submitter. Criteria: Invitae Variant Classification Sherloc (09022015). Collection method: clinical testing. Allele origin: germline.
Comment: This sequence change falls in intron 11 of the ATP1A2 gene. It does not directly change the encoded amino acid sequence of the ATP1A2 protein. It affects a nucleotide within the consensus splice site. This variant is not present in population databases (gnomAD no frequency). This variant has not been reported in the literature in individuals affected with ATP1A2-related conditions. Variants that disrupt the consensus splice site are a relatively common cause of aberrant splicing (PMID: 17576681, 9536098). Algorithms developed to predict the effect of sequence changes on RNA splicing suggest that this variant is not likely to affect RNA splicing. In summary, the available evidence is currently insufficient to determine the role of this variant in disease. Therefore, it has been classified as a Variant of Uncertain Significance.

Literature cited by the submitters: PubMed 17576681; PubMed 9536098.